The following is an entry in ClinVar:

ClinVar aggregate classification (germline): Uncertain significance (1 of 4 stars; one submission).

gnomAD v4.1: 1 of 1,614,100 alleles (0.000062%); highest among the groups gnomAD compares: South Asian, 0.0011%; no homozygotes.

Submission:

Labcorp Genetics (formerly Invitae), Labcorp
Classification: Uncertain significance. Last evaluated: 2021-12-22. Review status: criteria provided, single submitter. Criteria: Invitae Variant Classification Sherloc (09022015). Collection method: clinical testing. Allele origin: germline.
Comment: This sequence change replaces aspartic acid, which is acidic and polar, with tyrosine, which is neutral and polar, at codon 175 of the IRF4 protein (p.Asp175Tyr). In summary, the available evidence is currently insufficient to determine the role of this variant in disease. Therefore, it has been classified as a Variant of Uncertain Significance. Algorithms developed to predict the effect of missense changes on protein structure and function are either unavailable or do not agree on the potential impact of this missense change (SIFT: "Deleterious"; PolyPhen-2: "Possibly Damaging"; Align-GVGD: "Class C15"). This variant has not been reported in the literature in individuals affected with IRF4-related conditions. This variant is not present in population databases (gnomAD no frequency).

NM_002460.4(IRF4):c.523G>T (p.Asp175Tyr)

Gene: IRF4 (interferon regulatory factor 4; plus strand). Cytogenetic location: 6p25.3.
Variant type: single nucleotide variant.
Coding change: c.523G>T on transcript NM_002460.4 (MANE Select); coding-DNA position 523, G replaced by T.
Protein change: p.Asp175Tyr; replaces aspartic acid 175 with tyrosine.
Molecular consequence: missense variant. On other transcripts: non-coding transcript variant (1).
Genome position (GRCh38, 1-based): chr6:397,138, G>T. VCF-style: chr6-397138-G-T. GRCh37 (hg19) VCF-style: chr6-397138-G-T.
Other names: c.520G>T, p.Asp174Tyr (NM_001195286.2); short protein forms D175Y, D174Y.
Identifiers: ClinVar variation 2050852 (VCV002050852.4), dbSNP rs1461930692, ClinGen allele CA362547436.